The following is an entry in ClinVar:

NM_001750.7(CAST):c.820A>G (p.Ile274Val)

Gene: CAST (calpastatin; plus strand). Cytogenetic location: 5q15.
Variant type: single nucleotide variant.
Coding change: c.820A>G on transcript NM_001750.7 (MANE Select); coding-DNA position 820, A replaced by G.
Protein change: p.Ile274Val; replaces isoleucine 274 with valine.
Molecular consequence: missense variant.
Genome position (GRCh38, 1-based): chr5:96,740,059, A>G. VCF-style: chr5-96740059-A-G. GRCh37 (hg19) VCF-style: chr5-96075763-A-G.
Other names: c.697A>G (NM_001042440.2); c.697A>G, p.Ile233Val (NM_001042440.5, NM_001330627.2); c.763A>G, p.Ile255Val (NM_001042441.3, NM_001330626.2); c.754A>G, p.Ile252Val (NM_001042442.3); c.571A>G, p.Ile191Val (NM_001042443.3, NM_001190442.2, NM_001330631.2); c.448A>G, p.Ile150Val (NM_001042444.3, NM_001042446.3, NM_001284212.4 and 1 more transcripts); c.505A>G, p.Ile169Val (NM_001042445.3, NM_001330632.2, NM_173060.5); c.355A>G, p.Ile119Val (NM_001284213.4); and 4 more; short protein forms I169V, I218V, I255V, I119V, I150V, I274V, I172V, I191V.
Identifiers: ClinVar variation 1397835 (VCV001397835.7), dbSNP rs141181527, ClinGen allele CA3350984.

ClinVar aggregate classification (germline): Uncertain significance. Review status: criteria provided, multiple submitters, no conflicts (2 of 4 stars). 2 submissions from 2 submitters: Uncertain significance (2). Last evaluated 2025-01-20.

Conditions:
Inborn genetic diseases. Identifiers: MedGen C0950123, MeSH D030342.

Allele frequency attached by ClinVar (database versions not stated): gnomAD exomes 0.00001 and 0.00003; gnomAD 0.00002; TOPMed 0.00002; ExAC 0.00003; ESP Exome Variant Server 0.00008.
gnomAD v4.1: 20 of 1,577,416 alleles (0.0013%); highest among the groups gnomAD compares: South Asian, 0.014%; no homozygotes.

Submissions (2):

Ambry Genetics
Classification: Uncertain significance for Inborn genetic diseases. Last evaluated: 2025-01-20. Review status: criteria provided, single submitter. Criteria: Ambry Variant Classification Scheme 2023. Collection method: clinical testing. Allele origin: germline.

Labcorp Genetics (formerly Invitae), Labcorp
Classification: Uncertain significance. Last evaluated: 2022-03-04. Review status: criteria provided, single submitter. Criteria: Invitae Variant Classification Sherloc (09022015). Collection method: clinical testing. Allele origin: germline.
Comment: This sequence change replaces isoleucine with valine at codon 233 of the CAST protein (p.Ile233Val). The isoleucine residue is weakly conserved and there is a small physicochemical difference between isoleucine and valine. This variant is present in population databases (rs141181527, gnomAD 0.01%). This variant has not been reported in the literature in individuals affected with CAST-related conditions. Algorithms developed to predict the effect of missense changes on protein structure and function output the following: SIFT: "Not Available"; PolyPhen-2: "Benign"; Align-GVGD: "Not Available". The valine amino acid residue is found in multiple mammalian species, which suggests that this missense change does not adversely affect protein function. In summary, the available evidence is currently insufficient to determine the role of this variant in disease. Therefore, it has been classified as a Variant of Uncertain Significance.